The following is an entry in ClinVar:

ClinVar aggregate classification (germline): Uncertain significance. Review status: criteria provided, single submitter (1 of 4 stars). 3 submissions from 3 submitters: Uncertain significance (1). 2 of the submissions do not count toward it. Last evaluated 2016-12-01.

Conditions:
Complex neurodevelopmental disorder. Identifiers: Orphanet 528084, MedGen C5568766, MONDO:0100038.

Submissions (3):

CeGaT Center for Human Genetics Tuebingen
Classification: Uncertain significance. Last evaluated: 2016-12-01. Review status: criteria provided, single submitter. Criteria: CeGaT Center For Human Genetics Tuebingen Variant Classification Criteria Version 2. Collection method: clinical testing. Allele origin: germline. Affected: yes. Observed: 1 variant allele.

Genome Diagnostics Laboratory, University Medical Center Utrecht
Classification: Likely pathogenic. Review status: no assertion criteria provided. Collection method: clinical testing. Allele origin: germline. Affected: yes. Study: VKGL Data-share Consensus. Not counted in ClinVar's aggregate classification.

Joint Genome Diagnostic Labs from Nijmegen and Maastricht, Radboudumc and MUMC+
Classification: Pathogenic. Review status: no assertion criteria provided. Collection method: clinical testing. Allele origin: germline. Affected: yes. Study: VKGL Data-share Consensus. Not counted in ClinVar's aggregate classification.

NM_001040142.2(SCN2A):c.2642T>C (p.Leu881Pro)

Gene: SCN2A (sodium voltage-gated channel alpha subunit 2; plus strand). Cytogenetic location: 2q24.3.
Variant type: single nucleotide variant.
Coding change: c.2642T>C on transcript NM_001040142.2 (MANE Select); coding-DNA position 2642, T replaced by C.
Protein change: p.Leu881Pro; replaces leucine 881 with proline.
Molecular consequence: missense variant.
Genome position (GRCh38, 1-based): chr2:165,344,634, T>C. VCF-style: chr2-165344634-T-C. GRCh37 (hg19) VCF-style: chr2-166201144-T-C.
Other names: c.2642T>C, p.Leu881Pro (NM_001040143.2, NM_001371246.1, NM_001371247.1 and 1 more transcripts); short protein forms L881P.
Identifiers: ClinVar variation 425221 (VCV000425221.48), dbSNP rs796053116, ClinGen allele CA16621763.